The following is an entry in ClinVar:

NM_016816.4(OAS1):c.550G>T (p.Gly184Cys)

Gene: OAS1 (2'-5'-oligoadenylate synthetase 1; plus strand). Cytogenetic location: 12q24.13.
Variant type: single nucleotide variant.
Coding change: c.550G>T on transcript NM_016816.4 (MANE Select); coding-DNA position 550, G replaced by T.
Protein change: p.Gly184Cys; replaces glycine 184 with cysteine.
Molecular consequence: missense variant. On other transcripts: non-coding transcript variant (9), intron variant (4).
Genome position (GRCh38, 1-based): chr12:112,911,131, G>T. VCF-style: chr12-112911131-G-T. GRCh37 (hg19) VCF-style: chr12-113348936-G-T.
Other names: c.550G>T, p.Gly184Cys (NM_001032409.3, NM_001320151.2, NM_001406022.1 and 1 more transcripts); c.503G>T, p.Gly168Val (NM_001406020.1, NM_001406021.1, NM_001406023.1 and 2 more transcripts); c.180+3912G>T (NM_001406030.1, NM_001406029.1, NM_001406027.1 and 1 more transcripts); short protein forms G184C, G168V.
Identifiers: ClinVar variation 4701833 (VCV004701833.1).

ClinVar aggregate classification (germline): Uncertain significance (1 of 4 stars; one submission).

gnomAD v4.1: 2 of 1,613,772 alleles (0.00012%); highest among the groups gnomAD compares: Admixed American, 0.0033%; no homozygotes.

Submission:

Labcorp Genetics (formerly Invitae), Labcorp
Classification: Uncertain significance. Last evaluated: 2025-11-05. Review status: criteria provided, single submitter. Criteria: Invitae Variant Classification Sherloc (09022015). Collection method: clinical testing. Allele origin: germline.
Comment: This sequence change replaces glycine, which is neutral and non-polar, with cysteine, which is neutral and slightly polar, at codon 184 of the OAS1 protein (p.Gly184Cys). This variant is present in population databases (rs768226298, gnomAD 0.006%). This variant has not been reported in the literature in individuals affected with OAS1-related conditions. An algorithm developed to predict the effect of missense changes on protein structure and function (PolyPhen-2) suggests that this variant is likely to be disruptive. In summary, the available evidence is currently insufficient to determine the role of this variant in disease. Therefore, it has been classified as a Variant of Uncertain Significance.